The following is an entry in ClinVar:

NM_003482.4(KMT2D):c.11290C>T (p.Gln3764Ter)

Gene: KMT2D (lysine methyltransferase 2D; minus strand). Cytogenetic location: 12q13.12.
Variant type: single nucleotide variant.
Coding change: c.11290C>T on transcript NM_003482.4 (MANE Select); coding-DNA position 11290, C replaced by T.
Protein change: p.Gln3764Ter; replaces glutamine 3764 with a stop codon.
Molecular consequence: nonsense.
Genome position (GRCh38, 1-based): chr12:49,033,415, G>A on the plus strand (C>T on the coding strand, the complement: KMT2D is on the minus strand). VCF-style: chr12-49033415-G-A. GRCh37 (hg19) VCF-style: chr12-49427198-G-A.
Other names: short protein forms Q3764*.
Identifiers: ClinVar variation 158716 (VCV000158716.8), dbSNP rs587783682, ClinGen allele CA271570.

ClinVar aggregate classification (germline): Pathogenic/Likely pathogenic. Review status: criteria provided, multiple submitters, no conflicts (2 of 4 stars). 4 submissions from 4 submitters: Pathogenic (3); Likely pathogenic (1). Last evaluated 2024-05-28.

Conditions:
Kabuki syndrome 1 (KABUK1). Also called: KMT2D-Related Kabuki Syndrome. Identifiers: Orphanet 2322, MedGen CN030661, MONDO:0007843, OMIM 147920.

Submissions (4):

ARUP Laboratories, Molecular Genetics and Genomics, ARUP Laboratories
Classification: Pathogenic. Last evaluated: 2024-05-28. Review status: criteria provided, single submitter. Criteria: ARUP Molecular Germline Variant Investigation Process 2024. Collection method: clinical testing. Allele origin: germline.
Comment: The KMT2D c.11290C>T; p.Gln3764Ter variant (rs587783682, ClinVar Variation ID: 158716) is reported in the literature in an individual with Kabuki syndrome (Makrythanasis 2013). This variant is absent from the Genome Aggregation Database (v2.1.1), indicating it is not a common polymorphism. This variant induces an early termination codon and is predicted to result in a truncated protein or mRNA subject to nonsense-mediated decay. Based on available information, this variant is considered to be pathogenic. References: Makrythanasis P et al. MLL2 mutation detection in 86 patients with Kabuki syndrome: a genotype-phenotype study. Clin Genet. 2013 Dec;84(6):539-45. PMID: 23320472.

GeneDx
Classification: Pathogenic. Last evaluated: 2023-08-24. Review status: criteria provided, single submitter. Criteria: GeneDx Variant Classification Process June 2021. Collection method: clinical testing. Allele origin: germline. Affected: yes.
Comment: Reported in a cohort of individuals with a clinical diagnosis of Kabuki syndrome (Makrythanasis et al., 2013); Nonsense variant predicted to result in protein truncation or nonsense mediated decay in a gene for which loss of function is a known mechanism of disease; Not observed at significant frequency in large population cohorts (gnomAD); This variant is associated with the following publications: (PMID: 23320472)

Center for Human Genetics, Inc
Classification: Likely pathogenic for Kabuki syndrome 1. Last evaluated: 2016-11-01. Review status: criteria provided, single submitter. Criteria: ACMG Guidelines, 2015. Collection method: clinical testing. Allele origin: germline. Affected: yes.

Genetic Services Laboratory, University of Chicago
Classification: Pathogenic for Kabuki syndrome 1. Last evaluated: 2013-02-08. Review status: criteria provided, single submitter. Criteria: ACMG Guidelines, 2007. Collection method: clinical testing. Allele origin: germline. Inheritance: Autosomal dominant inheritance. Affected: yes.